The following is an entry in ClinVar:

ClinVar aggregate classification (germline): Pathogenic (1 of 4 stars; one submission).

Conditions:
Developmental and epileptic encephalopathy, 9 (DEE9). Also called: Early infantile epileptic encephalopathy 9; EPILEPSY, FEMALE-RESTRICTED, WITH MENTAL RETARDATION; JUBERG-HELLMAN SYNDROME; PCDH19-Related X-Linked Female-Limited Epilepsy with Mental Retardation. Identifiers: Orphanet 101039, Orphanet 2076, MedGen C1848137, MONDO:0010246, OMIM 300088. Disease mechanism: loss of function.

Submission:

Labcorp Genetics (formerly Invitae), Labcorp
Classification: Pathogenic for Developmental and epileptic encephalopathy, 9. Last evaluated: 2022-06-20. Review status: criteria provided, single submitter. Criteria: Invitae Variant Classification Sherloc (09022015). Collection method: clinical testing. Allele origin: germline.
Comment: This variant is a gross deletion of the genomic region encompassing exon(s) 5 of the PCDH19 gene. While this deletion is not anticipated to lead to nonsense mediated decay, it is expected to disrupt the C-terminus of the protein. This variant has not been reported in the literature in individuals affected with PCDH19-related conditions. This variant disrupts a region of the PCDH19 protein in which other variant(s) (p.Asp968Glufs*18) have been determined to be pathogenic (PMID: 30451291). This suggests that this is a clinically significant region of the protein, and that variants that disrupt it are likely to be disease-causing. For these reasons, this variant has been classified as Pathogenic.

Literature cited by the submitters: PubMed 30451291.

NC_000023.10:g.(?_99596881)_(99597093_?)del

Gene: PCDH19 (protocadherin 19; minus strand). Cytogenetic location: Xq22.1.
Variant type: Deletion.
Identifiers: ClinVar variation 2423944 (VCV002423944.5).